The following is an entry in ClinVar:

NM_003907.3(EIF2B5):c.196-1G>T

Gene: EIF2B5 (eukaryotic translation initiation factor 2B subunit epsilon; plus strand). Cytogenetic location: 3q27.1.
Variant type: single nucleotide variant.
Coding change: c.196-1G>T on transcript NM_003907.3 (MANE Select); the canonical splice acceptor site of the intron before coding-DNA position 196, G replaced by T.
Molecular consequence: splice acceptor variant.
Genome position (GRCh38, 1-based): chr3:184,136,611, G>T. VCF-style: chr3-184136611-G-T. GRCh37 (hg19) VCF-style: chr3-183854399-G-T.
Identifiers: ClinVar variation 4067124 (VCV004067124.2).

ClinVar aggregate classification (germline): Likely pathogenic (1 of 4 stars; one submission).

Conditions:
Vanishing white matter disease. Also called: CACH syndrome; Childhood ataxia with diffuse central nervous system hypomyelination; Leukoencephalopathy with vanishing white matter; CACH/VWM syndrome; Cree leukoencehalopathy. Identifiers: Orphanet 135, Orphanet 99853, MedGen C1858991, MONDO:0800448.

Submission:

Natera, Inc.
Classification: Likely pathogenic for Leukoencephalopathy with vanishing white matter. Last evaluated: 2025-04-02. Review status: criteria provided, single submitter. Criteria: Natera Variant Classification Schema (03/2026). Collection method: clinical testing. Allele origin: germline.
Comment: The c.196-1G>T variant in EIF2B5 is a canonical splice acceptor site variant predicted to affect pre-mRNA splicing, which may result in an abnormal transcript and altered protein product. This variant is expected to result in nonsense mediated decay, truncation, or a dysfunctional protein product. This variant is rare in the general population with a frequency below the threshold expected for the associated phenotype(s). Given the available evidence, this variant is classified as Likely Pathogenic.